The following is an entry in ClinVar:

ClinVar aggregate classification (germline): Likely benign (0 of 4 stars; one submission).

Conditions:
SHROOM3-related disorder. Also called: SHROOM3-related condition.

Submission:

PreventionGenetics, part of Exact Sciences
Classification: Likely benign for SHROOM3-related condition. Last evaluated: 2020-02-14. Review status: no assertion criteria provided. Collection method: clinical testing. Allele origin: germline.
Comment: This variant is classified as likely benign based on ACMG/AMP sequence variant interpretation guidelines (Richards et al. 2015 PMID: 25741868, with internal and published modifications).

NM_020859.4(SHROOM3):c.4596T>A (p.Pro1532=)

Genes: SHROOM3 (shroom family member 3; plus strand), SHROOM3-AS1 (SHROOM3 antisense RNA 1; minus strand). Cytogenetic location: 4q21.1.
Variant type: single nucleotide variant.
Coding change: c.4596T>A on transcript NM_020859.4 (MANE Select); coding-DNA position 4596, T replaced by A.
Protein change: p.Pro1532=; no amino-acid change (proline 1532 retained).
Molecular consequence: synonymous variant.
Genome position (GRCh38, 1-based): chr4:76,755,079, T>A. VCF-style: chr4-76755079-T-A. GRCh37 (hg19) VCF-style: chr4-77676232-T-A.
Identifiers: ClinVar variation 3042733 (VCV003042733.2), dbSNP rs1190585895, ClinGen allele CA439958758.